The following is an entry in ClinVar:

ClinVar aggregate classification (germline): Uncertain significance (1 of 4 stars; one submission).

Conditions:
Spinocerebellar ataxia, autosomal recessive, with axonal neuropathy 2 (SCAN2). Also called: Ataxia with Oculomotor Apraxia Type 2; Ataxia-ocular apraxia-2; Ataxia with Oculomotor Apraxia; ATAXIA-OCULOMOTOR APRAXIA 2. Identifiers: Orphanet 64753, MedGen C1853761, MONDO:0018996, OMIM 606002.

Submission:

Baylor Genetics
Classification: Uncertain significance for Spinocerebellar ataxia, autosomal recessive, with axonal neuropathy 2. Last evaluated: 2017-09-01. Review status: criteria provided, single submitter. Criteria: ACMG Guidelines, 2015. Collection method: clinical testing. Allele origin: maternal. Inheritance: Autosomal recessive inheritance. Affected: yes.

Literature cited by the submitters: PubMed 25326635.

NM_015046.7(SETX):c.7309C>G (p.Leu2437Val)

Gene: SETX (senataxin; minus strand). Cytogenetic location: 9q34.13.
Variant type: single nucleotide variant.
Coding change: c.7309C>G on transcript NM_015046.7 (MANE Select); coding-DNA position 7309, C replaced by G.
Protein change: p.Leu2437Val; replaces leucine 2437 with valine.
Molecular consequence: missense variant.
Genome position (GRCh38, 1-based): chr9:132,264,964, G>C on the plus strand (C>G on the coding strand, the complement: SETX is on the minus strand). VCF-style: chr9-132264964-G-C. GRCh37 (hg19) VCF-style: chr9-135140351-G-C.
Other names: c.7309C>G, p.Leu2437Val (NM_001351527.2); c.7396C>G, p.Leu2466Val (NM_001351528.2); short protein forms L2437V, L2466V.
Identifiers: ClinVar variation 561106 (VCV000561106.2), dbSNP rs1564464665, ClinGen allele CA375326068.
Genomic context (GRCh38, chr9:132,264,964, plus strand): 5'-GTCTATAGTTTTTGTCACAGGTCTTAATAATGGCACCACGCTTCTGAGCATCCTGAATCA[G>C]CTGATTCCAATGCTGGTTTTCCTTGAAACAATGAGAAGGGAGAAATAATTACACCCCAAA-3'
Protein context (NP_055861.3, residues 2427-2447): TLMENQHWNQ[Leu2437Val]IQDAQKRGAI